The following is an entry in ClinVar:

NM_000257.4(MYH7):c.2326del (p.Glu775_Met776insTer)

Genes: MYH7 (myosin heavy chain 7; minus strand), LOC126861898 (BRD4-independent group 4 enhancer GRCh37_chr14:23893609-23894808; plus strand). Cytogenetic location: 14q11.2.
Variant type: Deletion.
Coding change: c.2326del on transcript NM_000257.4 (MANE Select); coding-DNA position 2326, one base deleted (A; older notation c.2326delA).
Protein change: p.Glu775_Met776insTer.
Molecular consequence: nonsense.
Genome position (GRCh38, 1-based): chr14:23,425,379, T deleted on the plus strand (A on the coding strand, the reverse complement: MYH7 is on the minus strand); the first of 3 consecutive T bases (chr14:23,425,379-23,425,381); deleting any one gives the same sequence. VCF-style (leftmost placement, unchanged base first): chr14-23425378-AT-A. GRCh37 (hg19) VCF-style: chr14-23894587-AT-A.
Other names: c.2326del, p.Glu775_Met776insTer (NM_001407004.1); c.2326delA (NM_000257.4).
Identifiers: ClinVar variation 2448064 (VCV002448064.2), dbSNP rs2502286150, ClinGen allele CA2580087927.

ClinVar aggregate classification (germline): Uncertain significance (1 of 4 stars; one submission).

Conditions:
Cardiovascular phenotype. Identifiers: MedGen CN230736.

Submission:

Ambry Genetics
Classification: Uncertain significance for Cardiovascular phenotype. Last evaluated: 2023-03-06. Review status: criteria provided, single submitter. Criteria: Ambry Variant Classification Scheme 2023. Collection method: clinical testing. Allele origin: germline.
Comment: The c.2326delA variant, located in coding exon 19 of the MYH7 gene, results from a deletion of one nucleotide at nucleotide position 2326, causing a translational frameshift with a predicted alternate stop codon (p.M776*). This alteration is expected to result in protein truncation or nonsense-mediated mRNA decay. However, loss of function of MYH7 has not been established as a mechanism of disease. Since supporting evidence is limited at this time, the clinical significance of this alteration remains unclear.